The following is an entry in ClinVar:

NM_052874.5(STX1B):c.121G>A (p.Gly41Ser)

Gene: STX1B (syntaxin 1B; minus strand). Cytogenetic location: 16p11.2.
Variant type: single nucleotide variant.
Coding change: c.121G>A on transcript NM_052874.5 (MANE Select); coding-DNA position 121, G replaced by A.
Protein change: p.Gly41Ser; replaces glycine 41 with serine.
Molecular consequence: missense variant.
Genome position (GRCh38, 1-based): chr16:31,001,178, C>T on the plus strand (G>A on the coding strand, the complement: STX1B is on the minus strand). VCF-style: chr16-31001178-C-T. GRCh37 (hg19) VCF-style: chr16-31012499-C-T.
Other names: short protein forms G41S.
Identifiers: ClinVar variation 1685154 (VCV001685154.6), dbSNP rs1428045237, ClinGen allele CA395651724.

ClinVar aggregate classification (germline): Uncertain significance. Review status: criteria provided, multiple submitters, no conflicts (2 of 4 stars). 2 submissions from 2 submitters: Uncertain significance (2). Last evaluated 2025-07-23.

Conditions:
Generalized epilepsy with febrile seizures plus, type 9 (GEFSP9). Also called: GEFS+, TYPE 9. Identifiers: Orphanet 36387, MedGen C4015395, MONDO:0014517, OMIM 616172.

Allele frequency attached by ClinVar (database versions not stated): gnomAD 0.00002 and 0.00001; TOPMed below 0.00001.

Submissions (2):

Labcorp Genetics (formerly Invitae), Labcorp
Classification: Uncertain significance for Generalized epilepsy with febrile seizures plus, type 9. Last evaluated: 2025-07-23. Review status: criteria provided, single submitter. Criteria: Invitae Variant Classification Sherloc (09022015). Collection method: clinical testing. Allele origin: germline.
Comment: This sequence change replaces glycine, which is neutral and non-polar, with serine, which is neutral and polar, at codon 41 of the STX1B protein (p.Gly41Ser). This variant is not present in population databases (gnomAD no frequency). This variant has not been reported in the literature in individuals affected with STX1B-related conditions. ClinVar contains an entry for this variant (Variation ID: 1685154). Invitae Evidence Modeling of protein sequence and biophysical properties (such as structural, functional, and spatial information, amino acid conservation, physicochemical variation, residue mobility, and thermodynamic stability) indicates that this missense variant is not expected to disrupt STX1B protein function with a negative predictive value of 80%. In summary, the available evidence is currently insufficient to determine the role of this variant in disease. Therefore, it has been classified as a Variant of Uncertain Significance.

Mendelics
Classification: Uncertain significance. Last evaluated: 2022-05-04. Review status: criteria provided, single submitter. Criteria: Mendelics Assertion Criteria 2019. Collection method: clinical testing. Allele origin: germline.